The following is an entry in ClinVar:

ClinVar aggregate classification (germline): Likely benign (0 of 4 stars; one submission).

Conditions:
EP300-related disorder. Also called: EP300-related disorders; EP300-related condition.

gnomAD v4.1: 5 of 1,613,920 alleles (0.00031%); highest among the groups gnomAD compares: African/African-American, 0.0027%; no homozygotes.

Submission:

PreventionGenetics, part of Exact Sciences
Classification: Likely benign for EP300-related condition. Last evaluated: 2024-07-26. Review status: no assertion criteria provided. Collection method: clinical testing. Allele origin: germline.
Comment: This variant is classified as likely benign based on ACMG/AMP sequence variant interpretation guidelines (Richards et al. 2015 PMID: 25741868, with internal and published modifications).

NM_001429.4(EP300):c.4659T>C (p.Asn1553=)

Gene: EP300 (E1A binding protein p300; plus strand). Cytogenetic location: 22q13.2.
Variant type: single nucleotide variant.
Coding change: c.4659T>C on transcript NM_001429.4 (MANE Select); coding-DNA position 4659, T replaced by C.
Protein change: p.Asn1553=; no amino-acid change (asparagine 1553 retained).
Molecular consequence: synonymous variant.
Genome position (GRCh38, 1-based): chr22:41,173,664, T>C. VCF-style: chr22-41173664-T-C. GRCh37 (hg19) VCF-style: chr22-41569668-T-C.
Other names: c.4581T>C, p.Asn1527= (NM_001362843.2).
Identifiers: ClinVar variation 3353128 (VCV003353128.1).